The following is an entry in ClinVar:

NM_022489.4(INF2):c.1950-4C>G

Gene: INF2 (inverted formin 2; plus strand). Cytogenetic location: 14q32.33.
Variant type: single nucleotide variant.
Coding change: c.1950-4C>G on transcript NM_022489.4 (MANE Select); 4 bases into the intron before coding-DNA position 1950, C replaced by G.
Molecular consequence: intron variant.
Genome position (GRCh38, 1-based): chr14:104,709,277, C>G. VCF-style: chr14-104709277-C-G. GRCh37 (hg19) VCF-style: chr14-105175614-C-G.
Other names: c.1950-4C>G (NM_001031714.4).
Identifiers: ClinVar variation 514660 (VCV000514660.10), dbSNP rs539363877, ClinGen allele CA7372763.

ClinVar aggregate classification (germline): Likely benign. Review status: criteria provided, multiple submitters, no conflicts (2 of 4 stars). 2 submissions from 2 submitters: Likely benign (2). Last evaluated 2024-11-16.

Conditions:
Focal segmental glomerulosclerosis 5 (FSGS5). Identifiers: Orphanet 656, MedGen C2750475, MONDO:0013191, OMIM 613237.
Charcot-Marie-Tooth disease dominant intermediate E. Also called: CHARCOT-MARIE-TOOTH NEUROPATHY WITH FOCAL SEGMENTAL GLOMERULONEPHRITIS. Identifiers: Orphanet 93114, MedGen C4302667, MONDO:0013758, OMIM 614455.

Allele frequency attached by ClinVar (database versions not stated): gnomAD below 0.00001 and 0.00003; TOPMed below 0.00001; ExAC 0.00006; 1000 Genomes Project 30x 0.00016; 1000 Genomes Project 0.00020.
gnomAD v4.1: 76 of 1,611,440 alleles (0.0047%); highest among the groups gnomAD compares: South Asian, 0.074%; no homozygotes.

Submissions (2):

Labcorp Genetics (formerly Invitae), Labcorp
Classification: Likely benign for Charcot-Marie-Tooth disease dominant intermediate E; Focal segmental glomerulosclerosis 5. Last evaluated: 2024-11-16. Review status: criteria provided, single submitter. Criteria: Invitae Variant Classification Sherloc (09022015). Collection method: clinical testing. Allele origin: germline.

GeneDx
Classification: Likely benign. Last evaluated: 2018-01-10. Review status: criteria provided, single submitter. Criteria: GeneDx Variant Classification (06012015). Collection method: clinical testing. Allele origin: germline. Affected: yes.
Comment: This variant is considered likely benign or benign based on one or more of the following criteria: it is a conservative change, it occurs at a poorly conserved position in the protein, it is predicted to be benign by multiple in silico algorithms, and/or has population frequency not consistent with disease.